The following is an entry in ClinVar:

ClinVar aggregate classification (germline): Uncertain significance (1 of 4 stars; one submission).

Conditions:
Dilated cardiomyopathy 1W (CMD1W). Identifiers: Orphanet 154, MedGen C1969639, MONDO:0012667, OMIM 611407.

Submission:

Labcorp Genetics (formerly Invitae), Labcorp
Classification: Uncertain significance for Dilated cardiomyopathy 1W. Last evaluated: 2019-03-01. Review status: criteria provided, single submitter. Criteria: Invitae Variant Classification Sherloc (09022015). Collection method: clinical testing. Allele origin: germline.
Comment: In summary, the available evidence is currently insufficient to determine the role of this variant in disease. Therefore, it has been classified as a Variant of Uncertain Significance. The current clinical and genetic evidence is not sufficient to establish whether loss-of-function variants in VCL cause disease. This variant has not been reported in the literature in individuals with VCL-related disease. This variant is a gross deletion of the genomic region encompassing exon 1 of the VCL gene, which includes the initiator codon. The 5' end of this event is unknown as it extends beyond the assayed region for this gene and therefore may encompass additional genes. The 3' boundary is likely confined to intron 1 of the VCL gene. This is expected to result in an absent or disrupted protein product.

NC_000010.11:g.(?_73998198)_(73998385_?)del

Gene: VCL (vinculin; plus strand). Cytogenetic location: 10q22.2.
Variant type: Deletion.
Identifiers: ClinVar variation 831983 (VCV000831983.5).